The following is an entry in ClinVar:

ClinVar aggregate classification (germline): Uncertain significance (1 of 4 stars; one submission).

Conditions:
POLD1-related polyposis and colorectal cancer syndrome (CRCS10). Also called: Colorectal cancer 10; COLORECTAL CANCER, SUSCEPTIBILITY TO, ON CHROMOSOME 19q; Colorectal cancer, susceptibility to, 10. Identifiers: Orphanet 220460, MedGen C2675481, MONDO:0012953, OMIM 612591.

Submission:

Labcorp Genetics (formerly Invitae), Labcorp
Classification: Uncertain significance for POLD1-related polyposis and colorectal cancer syndrome. Last evaluated: 2017-01-17. Review status: criteria provided, single submitter. Criteria: Invitae Variant Classification Sherloc (09022015). Collection method: clinical testing. Allele origin: germline.
Comment: This sequence change replaces glutamine with arginine at codon 437 of the POLD1 protein (p.Gln437Arg). The glutamine residue is moderately conserved and there is a small physicochemical difference between glutamine and arginine. This variant is not present in population databases (ExAC no frequency) and has not been reported in the literature in individuals with a POLD1-related disease. Algorithms developed to predict the effect of missense changes on protein structure and function (SIFT, PolyPhen-2, Align-GVGD) all suggest that this variant is likely to be tolerated, but these predictions have not been confirmed by published functional studies. In summary, this variant is a novel missense change that is not predicted to affect protein function. There is no indication that it causes disease, but the available evidence is currently insufficient to prove that conclusively. Therefore, it has been classified as a Variant of Uncertain Significance.

NM_002691.4(POLD1):c.1310A>G (p.Gln437Arg)

Gene: POLD1 (DNA polymerase delta 1, catalytic subunit; plus strand). Cytogenetic location: 19q13.33.
Variant type: single nucleotide variant.
Coding change: c.1310A>G on transcript NM_002691.4 (MANE Select); coding-DNA position 1310, A replaced by G.
Protein change: p.Gln437Arg; replaces glutamine 437 with arginine.
Molecular consequence: missense variant. On other transcripts: non-coding transcript variant (1).
Genome position (GRCh38, 1-based): chr19:50,406,249, A>G. VCF-style: chr19-50406249-A-G. GRCh37 (hg19) VCF-style: chr19-50909506-A-G.
Other names: c.1310A>G, p.Gln437Arg (NM_001256849.1, NM_001308632.1); short protein forms Q437R.
Identifiers: ClinVar variation 469190 (VCV000469190.8), dbSNP rs1555791118, ClinGen allele CA406979845.